The following is an entry in ClinVar:

ClinVar aggregate classification (germline): Uncertain significance (1 of 4 stars; one submission).

Allele frequency attached by ClinVar (database versions not stated): TOPMed 0.00003.

Submission:

GeneDx
Classification: Uncertain significance. Last evaluated: 2025-08-15. Review status: criteria provided, single submitter. Criteria: GeneDx Variant Classification Process June 2021. Collection method: clinical testing. Allele origin: germline.
Comment: Not observed at significant frequency in large population cohorts (gnomAD); In silico analysis supports that this missense variant has a deleterious effect on protein structure/function; Has not been previously published as pathogenic or benign to our knowledge

NM_207037.2(TCF12):c.367G>C (p.Asp123His)

Gene: TCF12 (transcription factor 12; plus strand). Cytogenetic location: 15q21.3.
Variant type: single nucleotide variant.
Coding change: c.367G>C on transcript NM_207037.2 (MANE Select); coding-DNA position 367, G replaced by C.
Protein change: p.Asp123His; replaces aspartic acid 123 with histidine.
Molecular consequence: missense variant. On other transcripts: 5 prime UTR variant (1).
Genome position (GRCh38, 1-based): chr15:57,166,443, G>C. VCF-style: chr15-57166443-G-C. GRCh37 (hg19) VCF-style: chr15-57458641-G-C.
Other names: c.367G>C, p.Asp123His (NM_001322151.2, NM_001322152.2, NM_001322157.3 and 7 more transcripts); c.-286G>C (NM_001322154.2); c.193G>C, p.Asp65His (NM_001322156.2, NM_001322158.2); c.403G>C, p.Asp135His (NM_001322164.2); short protein forms D123H, D135H, D65H.
Identifiers: ClinVar variation 1800741 (VCV001800741.2), dbSNP rs1461872559, ClinGen allele CA392787521.